The following is an entry in ClinVar:

NM_015102.5(NPHP4):c.4181C>T (p.Ala1394Val)

Gene: NPHP4 (nephrocystin 4; minus strand). Cytogenetic location: 1p36.31.
Variant type: single nucleotide variant.
Coding change: c.4181C>T on transcript NM_015102.5 (MANE Select); coding-DNA position 4181, C replaced by T.
Protein change: p.Ala1394Val; replaces alanine 1394 with valine.
Molecular consequence: missense variant. On other transcripts: non-coding transcript variant (1).
Genome position (GRCh38, 1-based): chr1:5,863,365, G>A on the plus strand (C>T on the coding strand, the complement: NPHP4 is on the minus strand). VCF-style: chr1-5863365-G-A. GRCh37 (hg19) VCF-style: chr1-5923425-G-A.
Other names: p.Ala1394Val; c.2642C>T, p.Ala881Val (NM_001291593.2); c.2645C>T, p.Ala882Val (NM_001291594.2); short protein forms A882V, A881V, A1394V.
Identifiers: ClinVar variation 1408463 (VCV001408463.8), dbSNP rs537985340, ClinGen allele CA553303.

ClinVar aggregate classification (germline): Uncertain significance. Review status: criteria provided, multiple submitters, no conflicts (2 of 4 stars). 3 submissions from 3 submitters: Uncertain significance (3). Last evaluated 2023-10-24.

Conditions:
Nephronophthisis. Also called: Juvenile Nephronophthisis. Identifiers: Orphanet 655, MedGen C0687120, MONDO:0019005, HP:0000090.

Allele frequency attached by ClinVar (database versions not stated): gnomAD 0.00001 and 0.00003; ExAC 0.00002; TOPMed 0.00002; gnomAD exomes 0.00003; 1000 Genomes Project 30x 0.00016; 1000 Genomes Project 0.00040.
gnomAD v4.1: 46 of 1,613,960 alleles (0.0029%); highest among the groups gnomAD compares: Admixed American, 0.01%; no homozygotes.

Submissions (3):

Blueprint Genetics
Classification: Uncertain significance. Last evaluated: 2023-10-24. Review status: criteria provided, single submitter. Criteria: ACMG Guidelines, 2015. Collection method: clinical testing. Allele origin: germline.

Mayo Clinic Laboratories, Mayo Clinic
Classification: Uncertain significance. Last evaluated: 2023-02-07. Review status: criteria provided, single submitter. Criteria: ACMG Guidelines, 2015. Collection method: clinical testing. Allele origin: germline. Observed: 1 variant allele.
Comment: BP4

Labcorp Genetics (formerly Invitae), Labcorp
Classification: Uncertain significance for Nephronophthisis. Last evaluated: 2022-05-16. Review status: criteria provided, single submitter. Criteria: Invitae Variant Classification Sherloc (09022015). Collection method: clinical testing. Allele origin: germline.
Comment: This sequence change replaces alanine, which is neutral and non-polar, with valine, which is neutral and non-polar, at codon 1394 of the NPHP4 protein (p.Ala1394Val). This variant is present in population databases (rs537985340, gnomAD 0.01%). This variant has not been reported in the literature in individuals affected with NPHP4-related conditions. Algorithms developed to predict the effect of missense changes on protein structure and function output the following: SIFT: "Tolerated"; PolyPhen-2: "Benign"; Align-GVGD: "Class C0". The valine amino acid residue is found in multiple mammalian species, which suggests that this missense change does not adversely affect protein function. In summary, the available evidence is currently insufficient to determine the role of this variant in disease. Therefore, it has been classified as a Variant of Uncertain Significance.